The following continues an entry in ClinVar:

NM_000071.3(CBS):c.146C>T (p.Pro49Leu)

Gene: CBS. ClinVar aggregate classification (germline): Pathogenic/Likely pathogenic. Pathogenic (13); Likely pathogenic (5).

Submissions 11 to 19 of 19:

Ambry Genetics
Classification: Pathogenic for Familial thoracic aortic aneurysm and aortic dissection. Last evaluated: 2024-03-27. Review status: criteria provided, single submitter. Criteria: Ambry Variant Classification Scheme 2023. Collection method: clinical testing. Allele origin: germline.
Comment: The p.P49L pathogenic mutation (also known as c.146C>T), located in coding exon 1 of the CBS gene, results from a C to T substitution at nucleotide position 146. The proline at codon 49 is replaced by leucine, an amino acid with similar properties. This mutation was detected in a patient with homocystinuria, who also had an in-frame deletion and was pyridoxine responsive (De Franchis R, et al. Eur J Pediatr. 1998;157:S67-70). In addition this alteration was observed in conjunction with a splice site mutation in a patient who presented with deep vein thrombosis along with cardiac, ocular, and skeletal symptoms; however, information on phase was not provided (Evangelisti L, Int. J. Cardiol. 2009 May; 134(2):251-4). This alteration has been reported in an individual with a history of severe thoracic aortic aneurysm, but who also harbored an ACTA2 variant (Landis BJ et al. J Cardiovasc Transl Res, 2017 May). Functional studies showed that p.P49L was associated with mildly reduced enzyme activity (about 75% of the wild type) (Cozar M, et al. Hum Mutat. 2011;32(7):835-842). A further study determined that protein expression in fibroblasts from a homozygous individual were decreased. In addition, both protein levels and enzymatic activity were reduced to approximately 40% when expressed in vitro. However, the protein maintained normal response levels to its activator protein (Mendes J. Inherit. Metab Dis. 2014;37(2):25-254). Based on the supporting evidence, this alteration is interpreted as a disease-causing mutation.

Baylor Genetics
Classification: Pathogenic for Classic homocystinuria. Last evaluated: 2024-03-20. Review status: criteria provided, single submitter. Criteria: ACMG Guidelines, 2015. Collection method: clinical testing. Allele origin: unknown.

Laboratory of Medical Genetics, National & Kapodistrian University of Athens
Classification: Pathogenic for Classic homocystinuria. Last evaluated: 2024-02-01. Review status: criteria provided, single submitter. Criteria: ACMG Guidelines, 2015. Collection method: curation. Allele origin: germline. Affected: no.

Revvity Omics, Revvity
Classification: Pathogenic for Classic homocystinuria. Last evaluated: 2022-03-29. Review status: criteria provided, single submitter. Criteria: ACMG Guidelines, 2015. Collection method: clinical testing. Allele origin: germline.

Mayo Clinic Laboratories, Mayo Clinic
Classification: Likely pathogenic. Last evaluated: 2020-12-07. Review status: criteria provided, single submitter. Criteria: ACMG Guidelines, 2015. Collection method: clinical testing. Allele origin: germline. Observed: 1 variant allele.
Comment: PS3, PM3, PP3

ARUP Laboratories, Molecular Genetics and Genomics, ARUP Laboratories
Classification: Likely pathogenic. Last evaluated: 2020-01-09. Review status: criteria provided, single submitter. Criteria: ARUP Molecular Germline Variant Investigation Process. Collection method: clinical testing. Allele origin: germline.
Comment: The CBS c.146C>T; p.Pro49Leu variant (rs148865119) is reported in the literature in the homozygous or compound heterozygous state in individuals affected with homocystinuria, but is associated with a mild clinical phenotype (Cozar 2011, De Franchis 1998, Gaustadnes 2002, Mendes 2014, Stabler 2013). This variant is reported in ClinVar (Variation ID: 212872), and is found in the general population with an overall allele frequency of 0.015% (42/281978 alleles) in the Genome Aggregation Database. The proline at codon 49 is moderately conserved, and computational analyses (SIFT, PolyPhen-2) predict that this variant is deleterious. In vitro functional analyses demonstrate a mild decrease in protein expression and function (Cozar 2011, Mendes 2014, Pey 2013, Vicente 2017). Based on available information, this variant is considered to be likely pathogenic. References: Cozar M et al. Identification and functional analyses of CBS alleles in Spanish and Argentinian homocystinuric patients. Hum Mutat. 2011 Jul;32(7):835-42. De Franchis R et al. Clinical aspects of cystathionine beta-synthase deficiency: how wide is the spectrum? The Italian Collaborative Study Group on Homocystinuria. Eur J Pediatr. 1998 Apr;157 Suppl 2:S67-70. Gaustadnes M et al. The molecular basis of cystathionine beta-synthase deficiency in Australian patients: genotype-phenotype correlations and response to treatment. Hum Mutat. 2002 Aug;20(2):117-26. Mendes MI et al. Reduced response of Cystathionine Beta-Synthase (CBS) to S-Adenosylmethionine (SAM): Identification and functional analysis of CBS gene mutations in Homocystinuria patients. J Inherit Metab Dis. 2014 Mar;37(2):245-54. Pey AL et al. Human cystathionine ÃŸ-synthase (CBS) contains two classes of binding sites for S-adenosylmethionine (SAM): complex regulation of CBS activity and stability by SAM. Biochem J. 2013 Jan 1;449(1):109-21. Stabler SP et al. Metabolic profiling of total homocysteine and related compounds in hyperhomocysteinemia: utility and limitations in diagnosing the cause of puzzling thrombophilia in a family. JIMD Rep. 2013;11:149-63. Vicente JB et al. A Clinically Relevant Variant of the Human Hydrogen Sulfide-Synthesizing Enzyme Cystathionine ÃŸ-Synthase: Increased CO Reactivity as a Novel Molecular Mechanism of Pathogenicity? Oxid Med Cell Longev. 2017;2017:8940321.

Laboratory for Molecular Medicine, Mass General Brigham Personalized Medicine
Classification: Likely pathogenic for Classic homocystinuria. Last evaluated: 2019-03-20. Review status: criteria provided, single submitter. Criteria: ACMG Guidelines, 2015. Collection method: clinical testing. Allele origin: germline. Inheritance: Autosomal recessive inheritance.
Comment: The p.Pro49Leu variant in CBS has been reported in 7 compound heterozygous and 1 homozygous individuals with mild homocystinuria, and segregated with disease in 1 affected relative (Alcaide 2015, Cozar 2011, Evangelisti 2009, Gaustadnes 2002, Mendes 2014, Poloni 2018). In addition, it segregated with thromboembolic episodes in one family without the associated ocular, skeletal, or CNS abnormalities (Stabler 2013). It has also been identified in 0.031% (40/128366) of European chromosomes by gnomAD. However, this frequency is low enough to be consistent with a recessive carrier frequency. This variant has also been reported in ClinVar (Variation ID 212872). Computational prediction tools and conservation analysis do not provide strong support for or against an impact to the protein. In vitro and in vivo functional studies support a mild impact on protein function (Alcaide 2015, Cozar 2011, Hnizda 2012, Kozich 2010, Mendes 2014, Vicente 2017). In summary, although additional studies are required to fully establish its clinical significance, this variant meets criteria to be classified as likely pathogenic for mild homocystinuria. ACMG/AMP Criteria applied: PM3_Very Strong, PP1, PS3_Supporting.

Fulgent Genetics
Classification: Pathogenic for Classic homocystinuria. Last evaluated: 2018-10-31. Review status: criteria provided, single submitter. Criteria: ACMG Guidelines, 2015. Collection method: clinical testing. Allele origin: unknown.

Counsyl
Classification: Likely pathogenic for Classic homocystinuria. Last evaluated: 2016-07-21. Review status: no assertion criteria provided. Collection method: clinical testing. Allele origin: unknown. Not counted in ClinVar's aggregate classification.

Literature cited by the submitters: PubMed 12124992 (cited by 8 submitters); PubMed 20506325 (cited by 3 submitters); PubMed 9587029 (cited by 5 submitters); PubMed 21520339 (cited by 6 submitters); PubMed 23733603 (cited by 5 submitters); PubMed 28421128 (cited by 3 submitters); PubMed 18280597 (cited by 5 submitters); PubMed 23974653 (cited by 7 submitters); PubMed 25218699 (cited by 4 submitters); PubMed 29352562 (cited by 4 submitters); PubMed 22985361 (cited by Labcorp Genetics (formerly Invitae), Labcorp); PubMed 22612060 (cited by Ambry Genetics and Laboratory for Molecular Medicine, Mass General Brigham Personalized Medicine); PubMed 28550590 (cited by Ambry Genetics and Mayo Clinic Laboratories, Mayo Clinic); PubMed 7564249 (cited by Mayo Clinic Laboratories, Mayo Clinic); PubMed 10338090 (cited by Laboratory for Molecular Medicine, Mass General Brigham Personalized Medicine); PubMed 25331909 (cited by Counsyl); PubMed 20490928 (cited by Counsyl).